The following is an entry in ClinVar:

ClinVar aggregate classification (germline): Benign. Review status: criteria provided, multiple submitters, no conflicts (2 of 4 stars). 10 submissions from 10 submitters: Benign (7). 3 of the submissions do not count toward it. Last evaluated 2024-11-27.

Conditions:
Brody myopathy. Also called: BRODY DISEASE. Identifiers: Orphanet 53347, MedGen C1832918, MONDO:0010977, OMIM 601003.

Allele frequency attached by ClinVar (database versions not stated): gnomAD exomes 0.66894 and 0.69522; ExAC 0.70601; gnomAD 0.74014 and 0.74160; TOPMed 0.75096; ESP Exome Variant Server 0.75142; 1000 Genomes Project 30x 0.81512; 1000 Genomes Project 0.81869.
gnomAD v4.1: 1,091,490 of 1,611,856 alleles (68%); highest among the groups gnomAD compares: African/African-American, 94%; 376,423 homozygotes.

Submissions (10):

Blueprint Genetics
Classification: Benign. Last evaluated: 2024-11-27. Review status: criteria provided, single submitter. Criteria: ACMG Guidelines, 2015. Collection method: clinical testing. Allele origin: germline.

Mayo Clinic Laboratories, Mayo Clinic
Classification: Benign. Last evaluated: 2022-03-24. Review status: criteria provided, single submitter. Criteria: ACMG Guidelines, 2015. Collection method: clinical testing. Allele origin: germline. Observed: 479 variant alleles.

Athena Diagnostics
Classification: Benign. Last evaluated: 2018-12-14. Review status: criteria provided, single submitter. Criteria: Athena Diagnostics Criteria. Collection method: clinical testing. Allele origin: germline.

Illumina Laboratory Services, Illumina
Classification: Benign for Brody myopathy. Last evaluated: 2018-01-12. Review status: criteria provided, single submitter. Criteria: ICSL Variant Classification Criteria 13 December 2019. Collection method: clinical testing. Allele origin: germline.
Comment: This variant was observed in the ICSL laboratory as part of a predisposition screen in an ostensibly healthy population. It had not been previously curated by ICSL or reported in the Human Gene Mutation Database (HGMD: prior to June 1st, 2018), and was therefore a candidate for classification through an automated scoring system. Utilizing variant allele frequency, disease prevalence and penetrance estimates, and inheritance mode, an automated score was calculated to assess if this variant is too frequent to cause the disease. Based on the score and internal cut-off values, a variant classified as benign is not then subjected to further curation. The score for this variant resulted in a classification of benign for this disease.

GeneDx
Classification: Benign. Last evaluated: 2016-01-05. Review status: criteria provided, single submitter. Criteria: GeneDx Variant Classification (06012015). Collection method: clinical testing. Allele origin: germline. Affected: yes.
Comment: This variant is considered likely benign or benign based on one or more of the following criteria: it is a conservative change, it occurs at a poorly conserved position in the protein, it is predicted to be benign by multiple in silico algorithms, and/or has population frequency not consistent with disease.

Eurofins Ntd Llc (ga)
Classification: Benign. Last evaluated: 2013-07-29. Review status: criteria provided, single submitter. Criteria: EGL Classification Definitions 2015. Collection method: clinical testing. Allele origin: germline. Observed: 15 variant alleles, 7 heterozygotes, 8 homozygotes.

Breakthrough Genomics
Classification: Benign. Review status: criteria provided, single submitter. Criteria: ACMG Guidelines, 2015. Collection method: not provided. Allele origin: germline. Inheritance: Autosomal recessive inheritance. Affected: yes.

Diagnostic Laboratory, Department of Genetics, University Medical Center Groningen
Classification: Benign for Brody myopathy. Review status: no assertion criteria provided. Collection method: clinical testing. Allele origin: germline. Affected: yes. Study: VKGL Data-share Consensus. Not counted in ClinVar's aggregate classification.

Genome Diagnostics Laboratory, University Medical Center Utrecht
Classification: Benign. Review status: no assertion criteria provided. Collection method: clinical testing. Allele origin: germline. Affected: yes. Study: VKGL Data-share Consensus. Not counted in ClinVar's aggregate classification.

Joint Genome Diagnostic Labs from Nijmegen and Maastricht, Radboudumc and MUMC+
Classification: Benign. Review status: no assertion criteria provided. Collection method: clinical testing. Allele origin: germline. Affected: yes. Study: VKGL Data-share Consensus. Not counted in ClinVar's aggregate classification.

NM_004320.6(ATP2A1):c.*64G>A

Gene: ATP2A1 (ATPase sarcoplasmic/endoplasmic reticulum Ca2+ transporting 1; plus strand). Cytogenetic location: 16p11.2.
Variant type: single nucleotide variant.
Coding change: c.*64G>A on transcript NM_004320.6 (MANE Select); 64 bases downstream of the stop codon, G replaced by A.
Molecular consequence: 3 prime UTR variant.
Genome position (GRCh38, 1-based): chr16:28,904,206, G>A. VCF-style: chr16-28904206-G-A. GRCh37 (hg19) VCF-style: chr16-28915527-G-A.
Other names: c.*64G>A (NM_001286075.2); c.*1G>A (NM_173201.5, NM_173201.4).
Identifiers: ClinVar variation 96539 (VCV000096539.16), dbSNP rs10499, ClinGen allele CA149598.